The following is an entry in ClinVar:

NM_018972.4(GDAP1):c.363A>G (p.Val121=)

Gene: GDAP1 (ganglioside induced differentiation associated protein 1; plus strand). Cytogenetic location: 8q21.11.
Variant type: single nucleotide variant.
Coding change: c.363A>G on transcript NM_018972.4 (MANE Select); coding-DNA position 363, A replaced by G.
Protein change: p.Val121=; no amino-acid change (valine 121 retained).
Molecular consequence: synonymous variant. On other transcripts: intron variant (1).
Genome position (GRCh38, 1-based): chr8:74,360,189, A>G. VCF-style: chr8-74360189-A-G. GRCh37 (hg19) VCF-style: chr8-75272424-A-G.
Other names: c.159A>G, p.Val53= (NM_001040875.4); c.36A>G, p.Val12= (NM_001362929.2, NM_001362932.2); c.363A>G, p.Val121= (NM_001362931.2); c.311-1695A>G (NM_001362930.2).
Identifiers: ClinVar variation 2658654 (VCV002658654.24), dbSNP rs777308921, ClinGen allele CA4785088.

ClinVar aggregate classification (germline): Likely benign (1 of 4 stars; one submission).

gnomAD v4.1: 11 of 1,613,602 alleles (0.00068%); highest among the groups gnomAD compares: Non-Finnish European, 0.00093%; no homozygotes.

Submission:

CeGaT Center for Human Genetics Tuebingen
Classification: Likely benign. Last evaluated: 2023-02-01. Review status: criteria provided, single submitter. Criteria: CeGaT Center For Human Genetics Tuebingen Variant Classification Criteria Version 2. Collection method: clinical testing. Allele origin: germline. Affected: yes. Observed: 1 variant allele.
Comment: GDAP1: BP4, BP7